The following is an entry in ClinVar:

ClinVar aggregate classification (germline): Pathogenic (1 of 4 stars; one submission).

Submission:

Labcorp Genetics (formerly Invitae), Labcorp
Classification: Pathogenic. Last evaluated: 2024-02-23. Review status: criteria provided, single submitter. Criteria: Invitae Variant Classification Sherloc (09022015). Collection method: clinical testing. Allele origin: germline.
Comment: This sequence change creates a premature translational stop signal (p.Pro391Hisfs*7) in the CAD gene. It is expected to result in an absent or disrupted protein product. Loss-of-function variants in CAD are known to be pathogenic (PMID: 28007989, 32117025, 32820246, 33497533). This variant is not present in population databases (gnomAD no frequency). This variant has not been reported in the literature in individuals affected with CAD-related conditions. ClinVar contains an entry for this variant (Variation ID: 1446574). For these reasons, this variant has been classified as Pathogenic.

Literature cited by the submitters: PubMed 28007989; PubMed 32117025; PubMed 32820246; PubMed 33497533.

NM_004341.5(CAD):c.1172del (p.Pro391fs)

Gene: CAD (carbamoyl-phosphate synthetase 2, aspartate transcarbamylase, and dihydroorotase; plus strand). Cytogenetic location: 2p23.3.
Variant type: Deletion.
Coding change: c.1172del on transcript NM_004341.5 (MANE Select); coding-DNA position 1172, one base deleted (C; older notation c.1172delC).
Protein change: p.Pro391fs; shifts the reading frame from proline 391.
Molecular consequence: frameshift variant.
Genome position (GRCh38, 1-based): chr2:27,224,408, C deleted; the last of 2 consecutive C bases (chr2:27,224,407-27,224,408); deleting either gives the same sequence. VCF-style (leftmost placement, unchanged base first): chr2-27224406-TC-T. GRCh37 (hg19) VCF-style: chr2-27447274-TC-T.
Other names: c.1172del, p.Pro391fs (NM_001306079.2); short protein forms P391fs.
Identifiers: ClinVar variation 1446574 (VCV001446574.6), dbSNP rs2148063184, ClinGen allele CA2573134401.
Genomic context (GRCh38, chr2:27,224,406, plus strand): 5'-TAGAGAGCGGCTGACTGAGCGCCTCTGTCCCCCTGGGATTCCCACTCCCGGCTCTGGACT[TC>T]CACCACCACGAAAGGTTCTGATCCTGGGCTCAGGGGGCCTCTCCATTGGCCAAGCTGGAG-3'